The following is an entry in ClinVar:

ClinVar aggregate classification (germline): Uncertain significance. Review status: criteria provided, multiple submitters, no conflicts (2 of 4 stars). 3 submissions from 3 submitters: Uncertain significance (3). Last evaluated 2025-12-23.

Conditions:
Pheochromocytoma/paraganglioma syndrome 5. Also called: Paragangliomas 5; SDHA-Related Hereditary Paraganglioma-Pheochromocytoma Syndrome. Identifiers: Orphanet 29072, MedGen C3279992, MONDO:0013602, OMIM 614165.
Mitochondrial complex II deficiency, nuclear type 1. Also called: SUCCINATE CoQ REDUCTASE DEFICIENCY. Identifiers: Orphanet 3208, MedGen C5700310, MONDO:0100294, OMIM 252011.
Neurodegeneration with ataxia and late-onset optic atrophy. Identifiers: MedGen C5543254, MONDO:0031006, OMIM 619259.
Dilated cardiomyopathy 1GG (CMD1GG). Identifiers: Orphanet 154, MedGen C3150898, MONDO:0013339, OMIM 613642.
Hereditary cancer-predisposing syndrome. Also called: Tumor predisposition; Neoplastic Syndromes, Hereditary; Hereditary Cancer Syndrome; Hereditary neoplastic syndrome. Identifiers: Orphanet 140162, MedGen C0027672, MeSH D009386, MONDO:0015356.

Submissions (3):

Ambry Genetics
Classification: Uncertain significance for Hereditary cancer-predisposing syndrome. Last evaluated: 2025-12-23. Review status: criteria provided, single submitter. Criteria: Ambry Variant Classification Scheme 2023. Collection method: clinical testing. Allele origin: germline.
Comment: The p.H187Y variant (also known as c.559C>T), located in coding exon 5 of the SDHA gene, results from a C to T substitution at nucleotide position 559. The histidine at codon 187 is replaced by tyrosine, an amino acid with similar properties. This amino acid position is highly conserved in available vertebrate species. In addition, this alteration is predicted to be deleterious by in silico analysis. Based on the available evidence, the clinical significance of this variant remains unclear.

Labcorp Genetics (formerly Invitae), Labcorp
Classification: Uncertain significance for Pheochromocytoma/paraganglioma syndrome 5; Mitochondrial complex II deficiency, nuclear type 1. Last evaluated: 2025-06-02. Review status: criteria provided, single submitter. Criteria: Invitae Variant Classification Sherloc (09022015). Collection method: clinical testing. Allele origin: germline.
Comment: This sequence change replaces histidine, which is basic and polar, with tyrosine, which is neutral and polar, at codon 187 of the SDHA protein (p.His187Tyr). This variant is not present in population databases (gnomAD no frequency). This variant has not been reported in the literature in individuals affected with SDHA-related conditions. ClinVar contains an entry for this variant (Variation ID: 647317). Invitae Evidence Modeling of protein sequence and biophysical properties (such as structural, functional, and spatial information, amino acid conservation, physicochemical variation, residue mobility, and thermodynamic stability) indicates that this missense variant is not expected to disrupt SDHA protein function with a negative predictive value of 95%. In summary, the available evidence is currently insufficient to determine the role of this variant in disease. Therefore, it has been classified as a Variant of Uncertain Significance.

Fulgent Genetics
Classification: Uncertain significance for Mitochondrial complex II deficiency, nuclear type 1; Dilated cardiomyopathy 1GG; Pheochromocytoma/paraganglioma syndrome 5; Neurodegeneration with ataxia and late-onset optic atrophy. Last evaluated: 2021-10-12. Review status: criteria provided, single submitter. Criteria: ACMG Guidelines, 2015. Collection method: clinical testing. Allele origin: unknown.

NM_004168.4(SDHA):c.559C>T (p.His187Tyr)

Gene: SDHA (succinate dehydrogenase complex flavoprotein subunit A; plus strand). Cytogenetic location: 5p15.33.
Variant type: single nucleotide variant.
Coding change: c.559C>T on transcript NM_004168.4 (MANE Select); coding-DNA position 559, C replaced by T.
Protein change: p.His187Tyr; replaces histidine 187 with tyrosine.
Molecular consequence: missense variant.
Genome position (GRCh38, 1-based): chr5:225,985, C>T. VCF-style: chr5-225985-C-T. GRCh37 (hg19) VCF-style: chr5-226100-C-T.
Other names: c.415C>T, p.His139Tyr (NM_001294332.2); c.559C>T, p.His187Tyr (NM_001330758.2); c.559C>T (NM_004168.2); short protein forms H187Y, H139Y.
Identifiers: ClinVar variation 647317 (VCV000647317.11), dbSNP rs1579385898, ClinGen allele CA359010396.